The following is an entry in ClinVar:

NM_000089.4(COL1A2):c.1667G>A (p.Gly556Asp)

Gene: COL1A2 (collagen type I alpha 2 chain; plus strand). Cytogenetic location: 7q21.3.
Variant type: single nucleotide variant.
Coding change: c.1667G>A on transcript NM_000089.4 (MANE Select); coding-DNA position 1667, G replaced by A.
Protein change: p.Gly556Asp; replaces glycine 556 with aspartic acid.
Molecular consequence: missense variant.
Genome position (GRCh38, 1-based): chr7:94,414,223, G>A. VCF-style: chr7-94414223-G-A. GRCh37 (hg19) VCF-style: chr7-94043535-G-A.
Other names: short protein forms G556D.
Identifiers: ClinVar variation 4075344 (VCV004075344.1).

ClinVar aggregate classification (germline): Pathogenic (1 of 4 stars; one submission).

Conditions:
Osteogenesis imperfecta type I (OI1). Also called: Classic Non-deforming Osteogenesis Imperfecta with Blue Sclerae; Lobstein disease; OI, TYPE I; OSTEOGENESIS IMPERFECTA TARDA; OSTEOGENESIS IMPERFECTA WITH BLUE SCLERAE; Osteogenesis imperfecta type 1. Identifiers: Orphanet 216796, Orphanet 666, MedGen C0023931, MONDO:0008146, OMIM 166200. Disease mechanism: loss of function.

Submission:

Clinical Biomedical Laboratory, Shriners Hospital For Children - Canada
Classification: Pathogenic for Osteogenesis imperfecta type I. Last evaluated: 2025-07-16. Review status: criteria provided, single submitter. Criteria: ACMG Guidelines, 2015. Collection method: clinical testing. Allele origin: germline. Affected: yes.
Comment: This variant is predicted to substitute a glycine residue by an aspartic acid residue. Glycine substitutions in the triple helical domain of collagen type I alpha 2 chain cause disruption in the formation of the triple helix in the collagen molecule and are a typical cause of osteogenesis imperfecta. The variant is absent from the Genome Aggregation Database version 2.1.1, indicating it is very rare. Predication tools: (REVEL: 0.99) suggest the change is damaging to protein function.